The following is an entry in ClinVar:

NM_201631.4(TGM5):c.774C>G (p.Ser258Arg)

Gene: TGM5 (transglutaminase 5; minus strand). Cytogenetic location: 15q15.2.
Variant type: single nucleotide variant.
Coding change: c.774C>G on transcript NM_201631.4 (MANE Select); coding-DNA position 774, C replaced by G.
Protein change: p.Ser258Arg; replaces serine 258 with arginine.
Molecular consequence: missense variant.
Genome position (GRCh38, 1-based): chr15:43,252,847, G>C on the plus strand (C>G on the coding strand, the complement: TGM5 is on the minus strand). VCF-style: chr15-43252847-G-C. GRCh37 (hg19) VCF-style: chr15-43545045-G-C.
Other names: c.528C>G, p.Ser176Arg (NM_004245.4); short protein forms S176R, S258R.
Identifiers: ClinVar variation 2692374 (VCV002692374.2), dbSNP rs751456953, ClinGen allele CA392099314.

ClinVar aggregate classification (germline): Uncertain significance (1 of 4 stars; one submission).

Conditions:
Acral peeling skin syndrome. Also called: Peeling skin syndrome 2. Identifiers: Orphanet 263534, MedGen C1853354, MONDO:0012345, OMIM 609796.

Submission:

Institute of Human Genetics, University of Leipzig Medical Center
Classification: Uncertain significance for Acral peeling skin syndrome. Last evaluated: 2024-01-23. Review status: criteria provided, single submitter. Criteria: ACMG Guidelines, 2015. Collection method: clinical testing. Allele origin: unknown. Inheritance: Autosomal recessive inheritance. Affected: yes.
Comment: Criteria applied: PM1,PM2_SUP,PM3_SUP